The following is an entry in ClinVar:

NM_003745.2(SOCS1):c.202_203del (p.Thr68fs)

Gene: SOCS1 (suppressor of cytokine signaling 1; minus strand). Cytogenetic location: 16p13.13.
Variant type: Deletion.
Coding change: c.202_203del on transcript NM_003745.2 (MANE Select); coding-DNA positions 202 to 203, 2 bases deleted (AC; older notation c.202_203delAC).
Protein change: p.Thr68fs; shifts the reading frame from threonine 68.
Molecular consequence: frameshift variant.
Genome position (GRCh38, 1-based): chr16:11,255,276-11,255,277, GT deleted on the plus strand (AC on the coding strand, the reverse complement: SOCS1 is on the minus strand); deleting any 2 consecutive bases within chr16:11,255,276-11,255,278 gives the same sequence; the c. name uses the placement nearest the transcript's 3' end. VCF-style (leftmost placement, unchanged base first): chr16-11255275-CGT-C. GRCh37 (hg19) VCF-style: chr16-11349132-CGT-C.
Other names: short protein forms T68fs.
Identifiers: ClinVar variation 4072794 (VCV004072794.2).

ClinVar aggregate classification (germline): Pathogenic (1 of 4 stars; one submission).

Submission:

GeneDx
Classification: Pathogenic. Last evaluated: 2025-09-06. Review status: criteria provided, single submitter. Criteria: GeneDx Variant Classification Process June 2021. Collection method: clinical testing. Allele origin: germline.
Comment: Frameshift variant predicted to result in abnormal protein length as the last 144 amino acids are replaced with 47 different amino acids, and other similar variants have been reported in HGMD; Not observed at significant frequency in large population cohorts (gnomAD); Has not been previously published as pathogenic or benign to our knowledge